The following is an entry in ClinVar:

ClinVar aggregate classification (germline): Uncertain significance (1 of 4 stars; one submission).

Conditions:
Neuronal ceroid lipofuscinosis. Also called: Neuronal Ceroid Lipofuscinoses. Identifiers: Orphanet 216, Orphanet 79263, MedGen C0027877, MONDO:0016295. Disease mechanism: loss of function.

Allele frequency attached by ClinVar (database versions not stated): TOPMed below 0.00001; gnomAD 0.00001.
gnomAD v4.1: 1 of 1,613,688 alleles (0.000062%); highest among the groups gnomAD compares: African/African-American, 0.0013%; no homozygotes.

Submission:

Labcorp Genetics (formerly Invitae), Labcorp
Classification: Uncertain significance for Neuronal ceroid lipofuscinosis. Last evaluated: 2022-05-27. Review status: criteria provided, single submitter. Criteria: Invitae Variant Classification Sherloc (09022015). Collection method: clinical testing. Allele origin: germline.
Comment: In summary, the available evidence is currently insufficient to determine the role of this variant in disease. Therefore, it has been classified as a Variant of Uncertain Significance. Algorithms developed to predict the effect of missense changes on protein structure and function are either unavailable or do not agree on the potential impact of this missense change (SIFT: "Deleterious"; PolyPhen-2: "Probably Damaging"; Align-GVGD: "Class C0"). This variant has not been reported in the literature in individuals affected with CTSD-related conditions. This variant is not present in population databases (gnomAD no frequency). This sequence change replaces isoleucine, which is neutral and non-polar, with methionine, which is neutral and non-polar, at codon 24 of the CTSD protein (p.Ile24Met).

NM_001909.5(CTSD):c.72C>G (p.Ile24Met)

Genes: PRADX (PRC2 and DDX5 associated lncRNA; plus strand), CTSD (cathepsin D; minus strand). Cytogenetic location: 11p15.5.
Variant type: single nucleotide variant.
Coding change: c.72C>G on transcript NM_001909.5 (MANE Select); coding-DNA position 72, C replaced by G.
Protein change: p.Ile24Met; replaces isoleucine 24 with methionine.
Molecular consequence: missense variant.
Genome position (GRCh38, 1-based): chr11:1,761,465, G>C on the plus strand (C>G on the coding strand, the complement: CTSD is on the minus strand). VCF-style: chr11-1761465-G-C. GRCh37 (hg19) VCF-style: chr11-1782695-G-C.
Other names: short protein forms I24M.
Identifiers: ClinVar variation 1999299 (VCV001999299.4), dbSNP rs1308888825, ClinGen allele CA379100139.